The following is an entry in ClinVar:

ClinVar aggregate classification (germline): Uncertain significance. Review status: criteria provided, single submitter (1 of 4 stars). 2 submissions from 2 submitters: Uncertain significance (1). 1 of the submissions does not count toward it. Last evaluated 2019-07-21.

Conditions:
MYH9-related disorder. Identifiers: MedGen C1854520.

Allele frequency attached by ClinVar (database versions not stated): gnomAD exomes below 0.00001; TOPMed below 0.00001; gnomAD 0.00001.

Submissions (2):

GeneDx
Classification: Uncertain significance. Last evaluated: 2019-07-21. Review status: criteria provided, single submitter. Criteria: GeneDx Variant Classification Process June 2021. Collection method: clinical testing. Allele origin: germline. Affected: yes.
Comment: Not observed in large population cohorts (Lek et al., 2016); In silico analysis, which includes protein predictors and evolutionary conservation, supports a deleterious effect; Has not been previously published as pathogenic or benign to our knowledge

PreventionGenetics, part of Exact Sciences
Classification: Uncertain significance for MYH9-related condition. Last evaluated: 2024-04-29. Review status: no assertion criteria provided. Collection method: clinical testing. Allele origin: germline. Not counted in ClinVar's aggregate classification.
Comment: The MYH9 c.584C>T variant is predicted to result in the amino acid substitution p.Ala195Val. To our knowledge, this variant has not been reported in the literature or in a large population database, indicating this variant is rare. At this time, the clinical significance of this variant is uncertain due to the absence of conclusive functional and genetic evidence.

NM_002473.6(MYH9):c.584C>T (p.Ala195Val)

Gene: MYH9 (myosin heavy chain 9; minus strand). Cytogenetic location: 22q12.3.
Variant type: single nucleotide variant.
Coding change: c.584C>T on transcript NM_002473.6 (MANE Select); coding-DNA position 584, C replaced by T.
Protein change: p.Ala195Val; replaces alanine 195 with valine.
Molecular consequence: missense variant.
Genome position (GRCh38, 1-based): chr22:36,326,596, G>A on the plus strand (C>T on the coding strand, the complement: MYH9 is on the minus strand). VCF-style: chr22-36326596-G-A. GRCh37 (hg19) VCF-style: chr22-36722641-G-A.
Other names: c.584C>T (NM_002473.5); short protein forms A195V.
Identifiers: ClinVar variation 1302641 (VCV001302641.3), dbSNP rs2017339450, ClinGen allele CA411407927.